The following is an entry in ClinVar:

NM_024649.5(BBS1):c.480-1G>C

Gene: BBS1 (Bardet-Biedl syndrome 1; plus strand). Cytogenetic location: 11q13.2.
Variant type: single nucleotide variant.
Coding change: c.480-1G>C on transcript NM_024649.5 (MANE Select); the canonical splice acceptor site of the intron before coding-DNA position 480, G replaced by C.
Molecular consequence: splice acceptor variant.
Genome position (GRCh38, 1-based): chr11:66,515,692, G>C. VCF-style: chr11-66515692-G-C. GRCh37 (hg19) VCF-style: chr11-66283163-G-C.
Identifiers: ClinVar variation 371003 (VCV000371003.5), dbSNP rs1057516933, ClinGen allele CA16041522.
Genomic context (GRCh38, chr11:66,515,692, plus strand): 5'-CATCTGAGCCCCAGGGCCCCATTCTTCCATTCGGCTGCCATGCTGGCCCCTTTCCTTGCA[G>C]GGAGACGGCAGAGGAGCCTTTGTCCATCCAGTCACTCAGGTAAGGACCCTGTGGAGGGCC-3'

ClinVar aggregate classification (germline): Pathogenic. Review status: criteria provided, multiple submitters, no conflicts (2 of 4 stars). 3 submissions from 3 submitters: Pathogenic (2). 1 of the submissions does not count toward it. Last evaluated 2025-03-30.

Conditions:
Bardet-Biedl syndrome (BBS). Identifiers: Orphanet 110, MedGen C0752166, MONDO:0015229.
Bardet-Biedl syndrome 1 (BBS1). Identifiers: MedGen C2936862, MONDO:0008854, OMIM 209900. Disease mechanism: loss of function.

Allele frequency attached by ClinVar (database versions not stated): TOPMed below 0.00001.

Submissions (3):

Labcorp Genetics (formerly Invitae), Labcorp
Classification: Pathogenic for Bardet-Biedl syndrome. Last evaluated: 2025-03-30. Review status: criteria provided, single submitter. Criteria: Invitae Variant Classification Sherloc (09022015). Collection method: clinical testing. Allele origin: germline.
Comment: This sequence change affects an acceptor splice site in intron 5 of the BBS1 gene. It is expected to disrupt RNA splicing. Variants that disrupt the donor or acceptor splice site typically lead to a loss of protein function (PMID: 16199547), and loss-of-function variants in BBS1 are known to be pathogenic (PMID: 12118255, 21520335, 27032803). This variant is not present in population databases (gnomAD no frequency). Disruption of this splice site has been observed in individual(s) with Bardet-Biedl syndrome and/or retinal degeneration (PMID: 21052717, 34940782). This variant is also known as c.IVS5-1G>C. ClinVar contains an entry for this variant (Variation ID: 371003). Algorithms developed to predict the effect of sequence changes on RNA splicing suggest that this variant may disrupt the consensus splice site. For these reasons, this variant has been classified as Pathogenic.

Baylor Genetics
Classification: Pathogenic for Bardet-Biedl syndrome 1. Last evaluated: 2023-02-11. Review status: criteria provided, single submitter. Criteria: ACMG Guidelines, 2015. Collection method: clinical testing. Allele origin: unknown.

Counsyl
Classification: Likely pathogenic for Bardet-Biedl syndrome 1. Last evaluated: 2016-06-14. Review status: no assertion criteria provided. Collection method: clinical testing. Allele origin: unknown. Not counted in ClinVar's aggregate classification.

Literature cited by the submitters: PubMed 16199547 (cited by Labcorp Genetics (formerly Invitae), Labcorp); PubMed 12118255 (cited by Labcorp Genetics (formerly Invitae), Labcorp); PubMed 21520335 (cited by Labcorp Genetics (formerly Invitae), Labcorp); PubMed 27032803 (cited by Labcorp Genetics (formerly Invitae), Labcorp); PubMed 21052717 (cited by Labcorp Genetics (formerly Invitae), Labcorp and Counsyl); PubMed 34940782 (cited by Labcorp Genetics (formerly Invitae), Labcorp).